The following is an entry in ClinVar:

NM_000092.5(COL4A4):c.995G>C (p.Gly332Ala)

Gene: COL4A4 (collagen type IV alpha 4 chain; minus strand). Cytogenetic location: 2q36.3.
Variant type: single nucleotide variant.
Coding change: c.995G>C on transcript NM_000092.5 (MANE Select); coding-DNA position 995, G replaced by C.
Protein change: p.Gly332Ala; replaces glycine 332 with alanine.
Molecular consequence: missense variant.
Genome position (GRCh38, 1-based): chr2:227,101,538, C>G on the plus strand (G>C on the coding strand, the complement: COL4A4 is on the minus strand). VCF-style: chr2-227101538-C-G. GRCh37 (hg19) VCF-style: chr2-227966254-C-G.
Other names: short protein forms G332A.
Identifiers: ClinVar variation 3585906 (VCV003585906.2).

ClinVar aggregate classification (germline): Likely pathogenic. Review status: criteria provided, multiple submitters, no conflicts (2 of 4 stars). 2 submissions from 2 submitters: Likely pathogenic (2). Last evaluated 2025-09-04.

Conditions:
Alport syndrome. Also called: Hemorrhagic familial nephritis; Hemorrhagic hereditary nephritis; Congenital hereditary hematuria. Identifiers: Orphanet 63, MedGen C1567741, MONDO:0018965.
Autosomal recessive Alport syndrome (ATS2). Also called: COL4A4 Alport Syndrome and Thin Basement Membrane Nephropathy; Alport syndrome type 2; ALPORT SYNDROME 2, AUTOSOMAL RECESSIVE; COL4A3-Related Nephropathy. Identifiers: Orphanet 63, Orphanet 88919, MedGen C4746745, MONDO:0008762, OMIM 203780.
Hematuria, benign familial, 1 (BFH1). Also called: THIN MEMBRANE NEPHROPATHY. Identifiers: MedGen CN376803, MONDO:0007709, OMIM 141200.

gnomAD v4.1: 1 of 1,612,506 alleles (0.000062%); no homozygotes.

Submissions (2):

Natera, Inc.
Classification: Likely pathogenic for Alport syndrome. Last evaluated: 2025-09-04. Review status: criteria provided, single submitter. Criteria: Natera Variant Classification Schema (03/2026). Collection method: clinical testing. Allele origin: germline.
Comment: The c.995G>C variant in COL4A4 is a missense variant predicted to cause substitution of glycine to alanine at amino acid 332. This variant is rare in the general population with a frequency below the threshold expected for the associated phenotype(s). This variant is located in a functionally critical region of the protein. Computational prediction algorithms indicate this variant is likely to affect gene or protein function. Given the available evidence, this variant is classified as Likely Pathogenic.

Fulgent Genetics
Classification: Likely pathogenic for Hematuria, benign familial, 1; Autosomal recessive Alport syndrome. Last evaluated: 2024-03-01. Review status: criteria provided, single submitter. Criteria: ACMG Guidelines, 2015. Collection method: clinical testing. Allele origin: germline.